The following is an entry in ClinVar:

ClinVar aggregate classification (germline): Likely benign (0 of 4 stars; one submission).

Conditions:
HOXA4-related disorder. Also called: HOXA4-related condition.

Allele frequency attached by ClinVar (database versions not stated): gnomAD exomes 0.00006; 1000 Genomes Project 0.00020; 1000 Genomes Project 30x 0.00031; ExAC 0.00035; ESP Exome Variant Server 0.00059; gnomAD 0.00077; TOPMed 0.00091.
gnomAD v4.1: 199 of 1,534,726 alleles (0.013%); highest among the groups gnomAD compares: African/African-American, 0.25%; no homozygotes.

Submission:

PreventionGenetics, part of Exact Sciences
Classification: Likely benign for HOXA4-related condition. Last evaluated: 2022-07-06. Review status: no assertion criteria provided. Collection method: clinical testing. Allele origin: germline.
Comment: This variant is classified as likely benign based on ACMG/AMP sequence variant interpretation guidelines (Richards et al. 2015 PMID: 25741868, with internal and published modifications).

NM_002141.5(HOXA4):c.524G>A (p.Cys175Tyr)

Genes: HOXA3 (homeobox A3; minus strand), HOXA4 (homeobox A4; minus strand). Cytogenetic location: 7p15.2.
Variant type: single nucleotide variant.
Coding change: c.524G>A on transcript NM_002141.5 (MANE Select); coding-DNA position 524, G replaced by A.
Protein change: p.Cys175Tyr; replaces cysteine 175 with tyrosine.
Molecular consequence: missense variant. On other transcripts: intron variant (7).
Genome position (GRCh38, 1-based): chr7:27,130,210, C>T on the plus strand (G>A on the coding strand, the complement: HOXA4 is on the minus strand). VCF-style: chr7-27130210-C-T. GRCh37 (hg19) VCF-style: chr7-27169829-C-T.
Other names: c.-389-3140G>A (NM_153631.3, NM_001384340.1); c.-505-3140G>A (NM_001384335.1, NM_001384339.1); c.-204-7568G>A (NM_001384336.1, NM_001384338.1); c.-677-3140G>A (NM_001384337.1); short protein forms C175Y.
Identifiers: ClinVar variation 3053757 (VCV003053757.2), dbSNP rs200965871, ClinGen allele CA4196777.